The following is an entry in ClinVar:

ClinVar aggregate classification (germline): Uncertain significance (1 of 4 stars; one submission).

Conditions:
TH-deficient dopa-responsive dystonia. Also called: Tyrosine Hydroxylase-Deficient Dopa-Responsive Dystonia; Segawa syndrome, autosomal recessive; DYT-TH. Identifiers: Orphanet 101150, MedGen C2673535, MONDO:0011551, OMIM 605407.

Allele frequency attached by ClinVar (database versions not stated): 1000 Genomes Project 30x 0.00031; 1000 Genomes Project 0.00040; gnomAD exomes 0.00001; ExAC 0.00002; gnomAD 0.00002.
gnomAD v4.1: 23 of 1,531,360 alleles (0.0015%); highest among the groups gnomAD compares: East Asian, 0.057%; no homozygotes.

Submission:

Labcorp Genetics (formerly Invitae), Labcorp
Classification: Uncertain significance for TH-deficient dopa-responsive dystonia. Last evaluated: 2022-04-01. Review status: criteria provided, single submitter. Criteria: Invitae Variant Classification Sherloc (09022015). Collection method: clinical testing. Allele origin: germline.
Comment: This sequence change replaces glycine, which is neutral and non-polar, with serine, which is neutral and polar, at codon 43 of the TH protein (p.Gly43Ser). The frequency data for this variant in the population databases is considered unreliable, as metrics indicate poor data quality at this position in the gnomAD database. This variant has not been reported in the literature in individuals affected with TH-related conditions. Advanced modeling of protein sequence and biophysical properties (such as structural, functional, and spatial information, amino acid conservation, physicochemical variation, residue mobility, and thermodynamic stability) performed at Invitae indicates that this missense variant is not expected to disrupt TH protein function. In summary, the available evidence is currently insufficient to determine the role of this variant in disease. Therefore, it has been classified as a Variant of Uncertain Significance.

NM_000360.4(TH):c.91-875G>A

Gene: TH (tyrosine hydroxylase; minus strand). Cytogenetic location: 11p15.5.
Variant type: single nucleotide variant.
Coding change: c.91-875G>A on transcript NM_000360.4 (MANE Select); 875 bases into the intron before coding-DNA position 91, G replaced by A.
Molecular consequence: intron variant. On other transcripts: missense variant (2).
Genome position (GRCh38, 1-based): chr11:2,170,746, C>T on the plus strand (G>A on the coding strand, the complement: TH is on the minus strand). VCF-style: chr11-2170746-C-T. GRCh37 (hg19) VCF-style: chr11-2191976-C-T.
Other names: c.127G>A, p.Gly43Ser (NM_199292.3); c.115G>A, p.Gly39Ser (NM_199293.3); short protein forms G39S, G43S.
Identifiers: ClinVar variation 2139307 (VCV002139307.1), dbSNP rs200295434, ClinGen allele CA5818825.